The following is an entry in ClinVar:

ClinVar aggregate classification (germline): Likely benign (1 of 4 stars; one submission).

Submission:

CeGaT Center for Human Genetics Tuebingen
Classification: Likely benign. Last evaluated: 2026-04-01. Review status: criteria provided, single submitter. Criteria: CeGaT Center For Human Genetics Tuebingen Variant Classification Criteria Version 2. Collection method: clinical testing. Allele origin: germline. Affected: yes. Observed: 1 variant allele.
Comment: ADGRL1: PM2:Supporting, BP4, BP7

NM_014921.5(ADGRL1):c.2154G>A (p.Val718=)

Genes: ADGRL1 (adhesion G protein-coupled receptor L1; minus strand), ADGRL1-AS1 (ADGRL1 antisense RNA 1; plus strand). Cytogenetic location: 19p13.12.
Variant type: single nucleotide variant.
Coding change: c.2154G>A on transcript NM_014921.5 (MANE Select); coding-DNA position 2154, G replaced by A.
Protein change: p.Val718=; no amino-acid change (valine 718 retained).
Molecular consequence: synonymous variant.
Genome position (GRCh38, 1-based): chr19:14,158,548, C>T on the plus strand (G>A on the coding strand, the complement: ADGRL1 is on the minus strand). VCF-style: chr19-14158548-C-T. GRCh37 (hg19) VCF-style: chr19-14269360-C-T.
Other names: c.2169G>A, p.Val723= (NM_001008701.3).
Identifiers: ClinVar variation 4874652 (VCV004874652.2).